The following is an entry in ClinVar:

NM_000297.4(PKD2):c.2729G>A (p.Arg910His)

Gene: PKD2 (polycystin 2, transient receptor potential cation channel; plus strand). Cytogenetic location: 4q22.1.
Variant type: single nucleotide variant.
Coding change: c.2729G>A on transcript NM_000297.4 (MANE Select); coding-DNA position 2729, G replaced by A.
Protein change: p.Arg910His; replaces arginine 910 with histidine.
Molecular consequence: missense variant. On other transcripts: non-coding transcript variant (1).
Genome position (GRCh38, 1-based): chr4:88,075,516, G>A. VCF-style: chr4-88075516-G-A. GRCh37 (hg19) VCF-style: chr4-88996668-G-A.
Other names: short protein forms R910H.
Identifiers: ClinVar variation 2858218 (VCV002858218.5), dbSNP rs144590958, ClinGen allele CA3004349.

ClinVar aggregate classification (germline): Conflicting classifications of pathogenicity. Review status: criteria provided, conflicting classifications (1 of 4 stars). 3 submissions from 3 submitters: Uncertain significance (2); Likely benign (1). Last evaluated 2025-11-06.

Conditions:
Polycystic kidney disease 2 (PKD2). Also called: POLYCYSTIC KIDNEY DISEASE, ADULT, TYPE II; Polycystic Kidney Disease 2, Autosomal Dominant; POLYCYSTIC KIDNEY DISEASE 2 WITH OR WITHOUT POLYCYSTIC LIVER DISEASE. Identifiers: MedGen C2751306, MONDO:0013131, OMIM 613095.
Autosomal dominant polycystic kidney disease. Identifiers: Orphanet 730, MedGen C0085413, MONDO:0004691.

gnomAD v4.1: 75 of 1,614,040 alleles (0.0046%); highest among the groups gnomAD compares: Non-Finnish European, 0.0055%; no homozygotes.

Submissions (3):

Labcorp Genetics (formerly Invitae), Labcorp
Classification: Uncertain significance for Autosomal dominant polycystic kidney disease. Last evaluated: 2025-11-06. Review status: criteria provided, single submitter. Criteria: Invitae Variant Classification Sherloc (09022015). Collection method: clinical testing. Allele origin: germline.
Comment: This sequence change replaces arginine, which is basic and polar, with histidine, which is basic and polar, at codon 910 of the PKD2 protein (p.Arg910His). This variant is present in population databases (rs144590958, gnomAD 0.006%). This variant has not been reported in the literature in individuals affected with PKD2-related conditions. ClinVar contains an entry for this variant (Variation ID: 2858218). Invitae Evidence Modeling of protein sequence and biophysical properties (such as structural, functional, and spatial information, amino acid conservation, physicochemical variation, residue mobility, and thermodynamic stability) indicates that this missense variant is not expected to disrupt PKD2 protein function with a negative predictive value of 80%. In summary, the available evidence is currently insufficient to determine the role of this variant in disease. Therefore, it has been classified as a Variant of Uncertain Significance.

Women's Health and Genetics/Laboratory Corporation of America, LabCorp
Classification: Uncertain significance. Last evaluated: 2025-03-21. Review status: criteria provided, single submitter. Criteria: LabCorp Variant Classification Summary - May 2015. Collection method: clinical testing. Allele origin: germline.
Comment: Variant summary: PKD2 c.2729G>A (p.Arg910His) results in a non-conservative amino acid change in the encoded protein sequence. Five of five in-silico tools predict a damaging effect of the variant on protein function. The variant allele was found at a frequency of 3.2e-05 in 251202 control chromosomes. The available data on variant occurrences in the general population are insufficient to allow any conclusion about variant significance. To our knowledge, no occurrence of c.2729G>A in individuals affected with Polycystic Kidney Disease 2 and no experimental evidence demonstrating its impact on protein function have been reported. ClinVar contains an entry for this variant (Variation ID: 2858218). Based on the evidence outlined above, the variant was classified as uncertain significance.

Fulgent Genetics
Classification: Likely benign for Polycystic kidney disease 2. Last evaluated: 2024-03-09. Review status: criteria provided, single submitter. Criteria: ACMG Guidelines, 2015. Collection method: clinical testing. Allele origin: germline.